The following is an entry in ClinVar:

NM_004990.4(MARS1):c.789A>C (p.Glu263Asp)

Gene: MARS1 (methionyl-tRNA synthetase 1; plus strand). Cytogenetic location: 12q13.3.
Variant type: single nucleotide variant.
Coding change: c.789A>C on transcript NM_004990.4 (MANE Select); coding-DNA position 789, A replaced by C.
Protein change: p.Glu263Asp; replaces glutamic acid 263 with aspartic acid.
Molecular consequence: missense variant.
Genome position (GRCh38, 1-based): chr12:57,498,175, A>C. VCF-style: chr12-57498175-A-C. GRCh37 (hg19) VCF-style: chr12-57891958-A-C.
Other names: short protein forms E263D.
Identifiers: ClinVar variation 2924070 (VCV002924070.3), dbSNP rs754922944, ClinGen allele CA6650306.

ClinVar aggregate classification (germline): Uncertain significance (1 of 4 stars; one submission).

Conditions:
Severe early-onset pulmonary alveolar proteinosis due to MARS deficiency. Also called: PULMONARY ALVEOLAR PROTEINOSIS, REUNION ISLAND; Interstitial lung and liver disease. Identifiers: Orphanet 440427, MedGen C4225400, MONDO:0014206, OMIM 615486.
Charcot-Marie-Tooth disease axonal type 2U. Also called: CHARCOT-MARIE-TOOTH NEUROPATHY, TYPE 2U; CHARCOT-MARIE-TOOTH DISEASE, AXONAL, AUTOSOMAL DOMINANT, TYPE 2U. Identifiers: Orphanet 397735, MedGen C4084821, MONDO:0014566, OMIM 616280.

Allele frequency attached by ClinVar (database versions not stated): ExAC 0.00001; gnomAD exomes 0.00001; TOPMed 0.00001.
gnomAD v4.1: 14 of 1,613,964 alleles (0.00087%); highest among the groups gnomAD compares: Non-Finnish European, 0.0012%; no homozygotes.

Submission:

Labcorp Genetics (formerly Invitae), Labcorp
Classification: Uncertain significance for Charcot-Marie-Tooth disease axonal type 2U; Severe early-onset pulmonary alveolar proteinosis due to MARS deficiency. Last evaluated: 2024-05-31. Review status: criteria provided, single submitter. Criteria: Invitae Variant Classification Sherloc (09022015). Collection method: clinical testing. Allele origin: germline.
Comment: This sequence change replaces glutamic acid, which is acidic and polar, with aspartic acid, which is acidic and polar, at codon 263 of the MARS protein (p.Glu263Asp). This variant is present in population databases (rs754922944, gnomAD 0.002%). This variant has not been reported in the literature in individuals affected with MARS-related conditions. An algorithm developed to predict the effect of missense changes on protein structure and function (PolyPhen-2) suggests that this variant is likely to be tolerated. In summary, the available evidence is currently insufficient to determine the role of this variant in disease. Therefore, it has been classified as a Variant of Uncertain Significance.